The following is an entry in ClinVar:

ClinVar aggregate classification (germline): Pathogenic (1 of 4 stars; one submission).

Submission:

Labcorp Genetics (formerly Invitae), Labcorp
Classification: Pathogenic. Last evaluated: 2024-11-13. Review status: criteria provided, single submitter. Criteria: Invitae Variant Classification Sherloc (09022015). Collection method: clinical testing. Allele origin: germline.
Comment: This sequence change creates a premature translational stop signal (p.Ser446*) in the PNPLA8 gene. It is expected to result in an absent or disrupted protein product. Loss-of-function variants in PNPLA8 are known to be pathogenic (PMID: 29681094). This variant is not present in population databases (gnomAD no frequency). This variant has not been reported in the literature in individuals affected with PNPLA8-related conditions. For these reasons, this variant has been classified as Pathogenic.

Literature cited by the submitters: PubMed 29681094.

NM_001256007.3(PNPLA8):c.1337C>A (p.Ser446Ter)

Gene: PNPLA8 (patatin like domain 8, phospholipase A2; minus strand). Cytogenetic location: 7q31.1.
Variant type: single nucleotide variant.
Coding change: c.1337C>A on transcript NM_001256007.3 (MANE Select); coding-DNA position 1337, C replaced by A.
Protein change: p.Ser446Ter; replaces serine 446 with a stop codon.
Molecular consequence: nonsense.
Genome position (GRCh38, 1-based): chr7:108,502,512, G>T on the plus strand (C>A on the coding strand, the complement: PNPLA8 is on the minus strand). VCF-style: chr7-108502512-G-T. GRCh37 (hg19) VCF-style: chr7-108142956-G-T.
Other names: c.1337C>A, p.Ser446Ter (NM_001256008.3, NM_001256009.3, NM_015723.5); c.1037C>A, p.Ser346Ter (NM_001256010.3, NM_001256011.3); short protein forms S346*, S446*.
Identifiers: ClinVar variation 3623252 (VCV003623252.2).